The following is an entry in ClinVar:

NM_001164664.2(MAST4):c.6759C>T (p.Thr2253=)

Gene: MAST4 (microtubule associated serine/threonine kinase family member 4; plus strand). Cytogenetic location: 5q12.3.
Variant type: single nucleotide variant.
Coding change: c.6759C>T on transcript NM_001164664.2 (MANE Select); coding-DNA position 6759, C replaced by T.
Protein change: p.Thr2253=; no amino-acid change (threonine 2253 retained).
Molecular consequence: synonymous variant.
Genome position (GRCh38, 1-based): chr5:67,165,938, C>T. VCF-style: chr5-67165938-C-T. GRCh37 (hg19) VCF-style: chr5-66461766-C-T.
Other names: c.6141C>T, p.Thr2047= (NM_001290226.2); c.5976C>T, p.Thr1992= (NM_001290227.2, NM_001393527.1); c.6177C>T, p.Thr2059= (NM_001297651.2); c.6768C>T, p.Thr2256= (NM_001393524.1); c.6558C>T, p.Thr2186= (NM_001393525.1); c.5991C>T, p.Thr1997= (NM_001393526.1); c.5955C>T, p.Thr1985= (NM_001393528.1); c.6192C>T, p.Thr2064= (NM_015183.3).
Identifiers: ClinVar variation 2655500 (VCV002655500.24), dbSNP rs1280545561, ClinGen allele CA444671075.

ClinVar aggregate classification (germline): Likely benign (1 of 4 stars; one submission).

gnomAD v4.1: 4 of 1,613,372 alleles (0.00025%); highest among the groups gnomAD compares: Non-Finnish European, 0.00017%; no homozygotes.

Submission:

CeGaT Center for Human Genetics Tuebingen
Classification: Likely benign. Last evaluated: 2022-09-01. Review status: criteria provided, single submitter. Criteria: CeGaT Center For Human Genetics Tuebingen Variant Classification Criteria Version 2. Collection method: clinical testing. Allele origin: germline. Affected: yes. Observed: 1 variant allele.
Comment: MAST4: PM2:Supporting, BP4, BP7